The following is an entry in ClinVar:

NM_001267550.2(TTN):c.42046G>A (p.Gly14016Ser)

Gene: TTN (titin; minus strand). Cytogenetic location: 2q31.2.
Variant type: single nucleotide variant.
Coding change: c.42046G>A on transcript NM_001267550.2 (MANE Select); coding-DNA position 42046, G replaced by A.
Protein change: p.Gly14016Ser; replaces glycine 14016 with serine.
Molecular consequence: missense variant.
Genome position (GRCh38, 1-based): chr2:178,634,828, C>T on the plus strand (G>A on the coding strand, the complement: TTN is on the minus strand). VCF-style: chr2-178634828-C-T. GRCh37 (hg19) VCF-style: chr2-179499555-C-T.
Other names: c.34342G>A, p.Gly11448Ser (NM_133378.4); c.37123G>A, p.Gly12375Ser (NM_001256850.1); c.14851G>A, p.Gly4951Ser (NM_003319.4); c.15226G>A, p.Gly5076Ser (NM_133432.3); c.15427G>A, p.Gly5143Ser (NM_133437.4); c.42046G>A (NM_001267550.1); short protein forms G11448S, G14016S, G12375S, G4951S, G5076S, G5143S.
Identifiers: ClinVar variation 179422 (VCV000179422.12), dbSNP rs367751077, ClinGen allele CA184397.

ClinVar aggregate classification (germline): Uncertain significance. Review status: criteria provided, multiple submitters, no conflicts (2 of 4 stars). 5 submissions from 5 submitters: Uncertain significance (5). Last evaluated 2025-08-29.

Conditions:
TTN-related disorder. Also called: TTN-related condition; TTN-related disease; TTN-related disorders.
Dilated cardiomyopathy 1G (CMD1G). Identifiers: Orphanet 154, MedGen C1858763, MONDO:0011400, OMIM 604145.
Autosomal recessive limb-girdle muscular dystrophy type 2J (LGMDR10). Also called: Limb-girdle muscular dystrophy, type 2J; MUSCULAR DYSTROPHY, LIMB-GIRDLE, AUTOSOMAL RECESSIVE 10. Identifiers: Orphanet 140922, MedGen C1837342, MONDO:0012127, OMIM 608807.
Tibial muscular dystrophy (TMD). Also called: Udd Distal Myopathy – Tibial Muscular Dystrophy; UDD MYOPATHY; Tibial muscular dystrophy, tardive. Identifiers: Orphanet 609, MedGen C1838244, MONDO:0010870, OMIM 600334.
Myopathy, myofibrillar, 9, with early respiratory failure (MFM9). Also called: Hereditary myopathy with early respiratory failure; EDSTROM MYOPATHY; MYOPATHY, PROXIMAL, WITH EARLY RESPIRATORY MUSCLE INVOLVEMENT; Myopathy, distal, with early respiratory failure, autosomal dominant. Identifiers: Orphanet 178464, Orphanet 34521, MedGen C1863599, MONDO:0011362, OMIM 603689.
Hypertrophic cardiomyopathy 9. Also called: Familial hypertrophic cardiomyopathy 9. Identifiers: MedGen C1861065, MONDO:0013412, OMIM 613765.
Early-onset myopathy with fatal cardiomyopathy (CMYO5). Also called: CONGENITAL MYOPATHY 5 WITH CARDIOMYOPATHY; Salih Myopathy. Identifiers: Orphanet 289377, MedGen C2673677, MONDO:0012714, OMIM 611705. Disease mechanism: loss of function.

Allele frequency attached by ClinVar (database versions not stated): TOPMed 0.00002.
gnomAD v4.1: 17 of 1,610,724 alleles (0.0011%); highest among the groups gnomAD compares: African/African-American, 0.0027%; no homozygotes.

Submissions (5):

PreventionGenetics, part of Exact Sciences
Classification: Uncertain significance for TTN-related condition. Last evaluated: 2025-08-29. Review status: criteria provided, single submitter. Criteria: ACMG Guidelines, 2015. Collection method: clinical testing. Allele origin: germline.
Comment: The TTN c.42046G>A variant is predicted to result in the amino acid substitution p.Gly14016Ser. To our knowledge, this variant has not been reported in the literature. This variant is reported in 0.0036% of alleles in individuals of European (Non-Finnish) descent in gnomAD. At this time, the clinical significance of this variant is uncertain due to the absence of conclusive functional and genetic evidence.

GeneDx
Classification: Uncertain significance. Last evaluated: 2024-08-07. Review status: criteria provided, single submitter. Criteria: GeneDx Variant Classification Process June 2021. Collection method: clinical testing. Allele origin: germline. Affected: yes.
Comment: Not observed at significant frequency in large population cohorts (gnomAD); Missense variant in a gene in which most reported pathogenic variants are truncating/loss of function; Has not been previously published as pathogenic or benign to our knowledge

Laboratory for Molecular Medicine, Mass General Brigham Personalized Medicine
Classification: Uncertain significance. Last evaluated: 2023-04-12. Review status: criteria provided, single submitter. Criteria: ACMG Guidelines, 2015. Collection method: clinical testing. Allele origin: germline.
Comment: The p.Gly11448Ser variant in TTN has not been previously reported in the literature in individuals with cardiomyopathy but has been identified by other clinical laboratories in ClinVar (Variation ID 179422). This variant has also been identified in 0.0029% (2/68000) of European chromosomes by gnomAD (v.3.1.2). Computational prediction tools and conservation analyses do not provide strong support for or against an impact to the protein. In summary, the clinical significance of this variant is uncertain. ACMG/AMP Criteria applied: PM2_Supporting.

Fulgent Genetics
Classification: Uncertain significance for Tibial muscular dystrophy; Myopathy, myofibrillar, 9, with early respiratory failure; Dilated cardiomyopathy 1G; Autosomal recessive limb-girdle muscular dystrophy type 2J; Early-onset myopathy with fatal cardiomyopathy; Hypertrophic cardiomyopathy 9. Last evaluated: 2021-08-17. Review status: criteria provided, single submitter. Criteria: ACMG Guidelines, 2015. Collection method: clinical testing. Allele origin: unknown.

Labcorp Genetics (formerly Invitae), Labcorp
Classification: Uncertain significance for Dilated cardiomyopathy 1G; Autosomal recessive limb-girdle muscular dystrophy type 2J. Last evaluated: 2016-08-24. Review status: criteria provided, single submitter. Criteria: Invitae Variant Classification Sherloc (09022015). Collection method: clinical testing. Allele origin: germline.